The following is an entry in ClinVar:

ClinVar aggregate classification (germline): Uncertain significance. Review status: criteria provided, multiple submitters, no conflicts (2 of 4 stars). 2 submissions from 2 submitters: Uncertain significance (2). Last evaluated 2026-01-20.

Conditions:
Neuroblastoma, susceptibility to, 3. Also called: ALK-Related Neuroblastic Tumor Susceptibility. Identifiers: Orphanet 635, MedGen C2751681, MONDO:0013083, OMIM 613014.
Hereditary cancer-predisposing syndrome. Also called: Neoplastic Syndromes, Hereditary; Tumor predisposition; Hereditary Cancer Syndrome; Hereditary neoplastic syndrome. Identifiers: Orphanet 140162, MedGen C0027672, MeSH D009386, MONDO:0015356.

Allele frequency attached by ClinVar (database versions not stated): TOPMed below 0.00001; ExAC 0.00001.

Submissions (2):

Ambry Genetics
Classification: Uncertain significance for Hereditary cancer-predisposing syndrome. Last evaluated: 2026-01-20. Review status: criteria provided, single submitter. Criteria: Ambry Variant Classification Scheme 2023. Collection method: clinical testing. Allele origin: germline.
Comment: The p.P1485T variant (also known as c.4453C>A), located in coding exon 29 of the ALK gene, results from a C to A substitution at nucleotide position 4453. The proline at codon 1485 is replaced by threonine, an amino acid with highly similar properties. This amino acid position is conserved. In addition, this alteration is predicted to be tolerated by in silico analysis. Based on the available evidence, the clinical significance of this variant remains unclear.

Labcorp Genetics (formerly Invitae), Labcorp
Classification: Uncertain significance for Neuroblastoma, susceptibility to, 3. Last evaluated: 2023-11-08. Review status: criteria provided, single submitter. Criteria: Invitae Variant Classification Sherloc (09022015). Collection method: clinical testing. Allele origin: germline.
Comment: This sequence change replaces proline, which is neutral and non-polar, with threonine, which is neutral and polar, at codon 1485 of the ALK protein (p.Pro1485Thr). The frequency data for this variant in the population databases is considered unreliable, as metrics indicate poor data quality at this position in the gnomAD database. This variant has not been reported in the literature in individuals affected with ALK-related conditions. An algorithm developed to predict the effect of missense changes on protein structure and function (PolyPhen-2) suggests that this variant is likely to be tolerated. In summary, the available evidence is currently insufficient to determine the role of this variant in disease. Therefore, it has been classified as a Variant of Uncertain Significance.

NM_004304.5(ALK):c.4453C>A (p.Pro1485Thr)

Gene: ALK (ALK receptor tyrosine kinase; minus strand). Cytogenetic location: 2p23.2.
Variant type: single nucleotide variant.
Coding change: c.4453C>A on transcript NM_004304.5 (MANE Select); coding-DNA position 4453, C replaced by A.
Protein change: p.Pro1485Thr; replaces proline 1485 with threonine.
Molecular consequence: missense variant.
Genome position (GRCh38, 1-based): chr2:29,193,634, G>T on the plus strand (C>A on the coding strand, the complement: ALK is on the minus strand). VCF-style: chr2-29193634-G-T. GRCh37 (hg19) VCF-style: chr2-29416500-G-T.
Other names: c.4453C>A (NM_004304.4); c.1249C>A, p.Pro417Thr (NM_001353765.2); short protein forms P417T, P1485T.
Identifiers: ClinVar variation 3019573 (VCV003019573.4), dbSNP rs762641077, ClinGen allele CA1593571.
Genomic context (GRCh38, chr2:29,193,634, plus strand): 5'-GGTTCCACAAGCTGGTGGGCTTGTTTCTGGATCCGTGGACCTTGTGCAACTCCGAAGGAG[G>T]GTTGGACTGAGAGAATGCCATATTCACGTGTCCCCCTTCCACGGCCGGCCCTCTAGGGAC-3'
Protein context (NP_004295.2, residues 1475-1495): HVNMAFSQSN[Pro1485Thr]PSELHKVHGS